The following is an entry in ClinVar:

ClinVar aggregate classification (germline): Uncertain significance. Review status: criteria provided, multiple submitters, no conflicts (2 of 4 stars). 3 submissions from 3 submitters: Uncertain significance (3). Last evaluated 2025-11-06.

Conditions:
Tuberous sclerosis 2 (TSC2). Identifiers: Orphanet 805, MedGen C1860707, MONDO:0013199, OMIM 613254.
Hereditary cancer-predisposing syndrome. Also called: Tumor predisposition; Hereditary Cancer Syndrome; Neoplastic Syndromes, Hereditary; Hereditary neoplastic syndrome. Identifiers: Orphanet 140162, MedGen C0027672, MeSH D009386, MONDO:0015356.
Tuberous sclerosis syndrome (TSC). Also called: Tuberous Sclerosis Complex; Tuberous sclerosis. Identifiers: Orphanet 805, MedGen C0041341, MONDO:0001734.

Allele frequency attached by ClinVar (database versions not stated): gnomAD exomes below 0.00001.
gnomAD v4.1: 1 of 1,612,572 alleles (0.000062%); highest among the groups gnomAD compares: Non-Finnish European, 0.000085%; no homozygotes.

Submissions (3):

Ambry Genetics
Classification: Uncertain significance for Hereditary cancer-predisposing syndrome. Last evaluated: 2025-11-06. Review status: criteria provided, single submitter. Criteria: Ambry Variant Classification Scheme 2023. Collection method: clinical testing. Allele origin: germline.
Comment: The c.5259+3A>G intronic variant results from an A to G substitution 3 nucleotides after coding exon 40 in the TSC2 gene. This nucleotide position is well conserved in available vertebrate species. In silico splice site analysis predicts that this alteration may weaken the native splice donor site and may result in the creation or strengthening of a novel splice donor site. Based on the available evidence, the clinical significance of this variant remains unclear.

Labcorp Genetics (formerly Invitae), Labcorp
Classification: Uncertain significance for Tuberous sclerosis 2. Last evaluated: 2024-06-05. Review status: criteria provided, single submitter. Criteria: Invitae Variant Classification Sherloc (09022015). Collection method: clinical testing. Allele origin: germline.
Comment: This sequence change falls in intron 41 of the TSC2 gene. It does not directly change the encoded amino acid sequence of the TSC2 protein. It affects a nucleotide within the consensus splice site. This variant is not present in population databases (gnomAD no frequency). This variant has not been reported in the literature in individuals affected with TSC2-related conditions. ClinVar contains an entry for this variant (Variation ID: 1017830). Variants that disrupt the consensus splice site are a relatively common cause of aberrant splicing (PMID: 17576681, 9536098). Algorithms developed to predict the effect of sequence changes on RNA splicing suggest that this variant may disrupt the consensus splice site. In summary, the available evidence is currently insufficient to determine the role of this variant in disease. Therefore, it has been classified as a Variant of Uncertain Significance.

All of Us Research Program, National Institutes of Health
Classification: Uncertain significance for Tuberous sclerosis syndrome. Last evaluated: 2024-03-24. Review status: criteria provided, single submitter. Criteria: ACMG Guidelines, 2015. Collection method: clinical testing. Allele origin: germline. Inheritance: Autosomal dominant inheritance. Observed: 1 variant allele, 1 heterozygote.
Comment: This variant causes an A to G nucleotide substitution at the +3 position of intron 41/41 of the TSC2 gene. Splice site prediction tools suggest that this variant may have a significant impact on RNA splicing. To our knowledge, RNA studies have not been reported for this variant. This variant has not been reported in individuals affected with TSC2-related disorders in the literature. This variant has not been identified in the general population by the Genome Aggregation Database (gnomAD). The available evidence is insufficient to determine the role of this variant in disease conclusively. Therefore, this variant is classified as a Variant of Uncertain Significance.

This study involves interpretation of variants in research participants for the purpose of population health screening. Participant phenotype was not available at the time of variant classification. Additional details can be found in publication PMID: 35346344, PMCID: PMC8962531

Literature cited by the submitters: PubMed 17576681 (cited by Labcorp Genetics (formerly Invitae), Labcorp); PubMed 9536098 (cited by Labcorp Genetics (formerly Invitae), Labcorp).

NM_000548.5(TSC2):c.5259+3A>G

Gene: TSC2 (TSC complex subunit 2; plus strand). Cytogenetic location: 16p13.3.
Variant type: single nucleotide variant.
Coding change: c.5259+3A>G on transcript NM_000548.5 (MANE Select); 3 bases into the intron after coding-DNA position 5259, A replaced by G.
Molecular consequence: intron variant.
Genome position (GRCh38, 1-based): chr16:2,088,328, A>G. VCF-style: chr16-2088328-A-G. GRCh37 (hg19) VCF-style: chr16-2138329-A-G.
Other names: c.5190+3A>G (NM_001114382.3); c.5130+3A>G (NM_021055.3); c.5118+3A>G (NM_001370405.1); c.5061+3A>G (NM_001363528.2); c.5127+3A>G (NM_001370404.1); c.5058+3A>G (NM_001077183.3); c.4950+3A>G (NM_001318827.2); c.4527+3A>G (NM_001318831.2); and 3 more.
Identifiers: ClinVar variation 1017830 (VCV001017830.8), dbSNP rs1555440897, ClinGen allele CA2202032745.